The following is an entry in ClinVar:

NM_173076.3(ABCA12):c.2194C>T (p.Gln732Ter)

Gene: ABCA12 (ATP binding cassette subfamily A member 12; minus strand). Cytogenetic location: 2q35.
Variant type: single nucleotide variant.
Coding change: c.2194C>T on transcript NM_173076.3 (MANE Select); coding-DNA position 2194, C replaced by T.
Protein change: p.Gln732Ter; replaces glutamine 732 with a stop codon.
Molecular consequence: nonsense. On other transcripts: non-coding transcript variant (1).
Genome position (GRCh38, 1-based): chr2:215,011,577, G>A on the plus strand (C>T on the coding strand, the complement: ABCA12 is on the minus strand). VCF-style: chr2-215011577-G-A. GRCh37 (hg19) VCF-style: chr2-215876301-G-A.
Other names: c.1240C>T, p.Gln414Ter (NM_015657.4); short protein forms Q414*, Q732*.
Identifiers: ClinVar variation 2866562 (VCV002866562.3), dbSNP rs2469316011, ClinGen allele CA350483683.

ClinVar aggregate classification (germline): Pathogenic (1 of 4 stars; one submission).

Submission:

Labcorp Genetics (formerly Invitae), Labcorp
Classification: Pathogenic. Last evaluated: 2023-08-16. Review status: criteria provided, single submitter. Criteria: Invitae Variant Classification Sherloc (09022015). Collection method: clinical testing. Allele origin: germline.
Comment: This sequence change creates a premature translational stop signal (p.Gln732*) in the ABCA12 gene. It is expected to result in an absent or disrupted protein product. Loss-of-function variants in ABCA12 are known to be pathogenic (PMID: 20672373). This variant is not present in population databases (gnomAD no frequency). This premature translational stop signal has been observed in individual(s) with ichthyosis (PMID: 36980989). For these reasons, this variant has been classified as Pathogenic.

Literature cited by the submitters: PubMed 20672373; PubMed 36980989.